The following is an entry in ClinVar:

ClinVar aggregate classification (germline): Uncertain significance. Review status: criteria provided, multiple submitters, no conflicts (2 of 4 stars). 3 submissions from 3 submitters: Uncertain significance (3). Last evaluated 2025-12-09.

Conditions:
Joubert syndrome 18 (JBTS18). Identifiers: Orphanet 2754, MedGen C3553758, MONDO:0013896, OMIM 614815.
Orofacial-digital syndrome IV (OFD4). Also called: BARAITSER-BURN SYNDROME; OFD SYNDROME WITH TIBIAL DEFECTS; OFD SYNDROME, BARAITSER-BURN TYPE; OFDS IV; ORAL-FACIAL-DIGITAL SYNDROME, TYPE IV; Orofaciodigital syndrome IV. Identifiers: Orphanet 2753, MedGen C0406727, MONDO:0009794, OMIM 258860.
Inborn genetic diseases. Identifiers: MedGen C0950123, MeSH D030342.

gnomAD v4.1: 44 of 1,613,930 alleles (0.0027%); highest among the groups gnomAD compares: African/African-American, 0.013%; no homozygotes.

Submissions (3):

Ambry Genetics
Classification: Uncertain significance for Inborn genetic diseases. Last evaluated: 2025-12-09. Review status: criteria provided, single submitter. Criteria: Ambry Variant Classification Scheme 2023. Collection method: clinical testing. Allele origin: germline.

GeneDx
Classification: Uncertain significance. Last evaluated: 2025-02-05. Review status: criteria provided, single submitter. Criteria: GeneDx Variant Classification Process June 2021. Collection method: clinical testing. Allele origin: germline. Affected: yes.
Comment: In silico analysis indicates that this missense variant does not alter protein structure/function; Has not been previously published as pathogenic or benign to our knowledge

Labcorp Genetics (formerly Invitae), Labcorp
Classification: Uncertain significance for Joubert syndrome 18; Orofacial-digital syndrome IV. Last evaluated: 2022-06-03. Review status: criteria provided, single submitter. Criteria: Invitae Variant Classification Sherloc (09022015). Collection method: clinical testing. Allele origin: germline.
Comment: In summary, the available evidence is currently insufficient to determine the role of this variant in disease. Therefore, it has been classified as a Variant of Uncertain Significance. Algorithms developed to predict the effect of missense changes on protein structure and function output the following: SIFT: "Deleterious"; PolyPhen-2: "Benign"; Align-GVGD: "Class C0". The glutamine amino acid residue is found in multiple mammalian species, which suggests that this missense change does not adversely affect protein function. This variant has not been reported in the literature in individuals affected with TCTN3-related conditions. This variant is present in population databases (rs765803620, gnomAD 0.02%). This sequence change replaces arginine, which is basic and polar, with glutamine, which is neutral and polar, at codon 521 of the TCTN3 protein (p.Arg521Gln).

NM_015631.6(TCTN3):c.1562G>A (p.Arg521Gln)

Gene: TCTN3 (tectonic family member 3; minus strand). Cytogenetic location: 10q24.1.
Variant type: single nucleotide variant.
Coding change: c.1562G>A on transcript NM_015631.6 (MANE Select); coding-DNA position 1562, G replaced by A.
Protein change: p.Arg521Gln; replaces arginine 521 with glutamine.
Molecular consequence: missense variant.
Genome position (GRCh38, 1-based): chr10:95,680,500, C>T on the plus strand (G>A on the coding strand, the complement: TCTN3 is on the minus strand). VCF-style: chr10-95680500-C-T. GRCh37 (hg19) VCF-style: chr10-97440257-C-T.
Other names: c.1616G>A, p.Arg539Gln (NM_001013840.1); c.1118G>A, p.Arg373Gln (NM_001143973.2); c.1466G>A, p.Arg489Gln (NM_001410982.1); c.1562G>A (NM_015631.5); short protein forms R539Q, R373Q, R521Q, R489Q.
Identifiers: ClinVar variation 2142257 (VCV002142257.5), dbSNP rs765803620, ClinGen allele CA5620796.